The following is an entry in ClinVar:

ClinVar aggregate classification (germline): Uncertain significance (1 of 4 stars; one submission).

Submission:

Dasa
Classification: Uncertain significance. Last evaluated: 2025-10-30. Review status: criteria provided, single submitter. Criteria: DASA Assertion Criteria. Collection method: clinical testing. Allele origin: germline.
Comment: NM_002430.3(MN1):c.403_419del (p.Gly135Argfs*14) introduces a premature termination codon predicted to result in loss of normal protein function. Loss-of-function is an established mechanism of disease for this gene. Based on the available data, this variant is classified as variant of uncertain significance.

NM_002430.3(MN1):c.403_419del (p.Gly135fs)

Gene: MN1 (MN1 proto-oncogene, transcriptional regulator; minus strand). Cytogenetic location: 22q12.1.
Variant type: Deletion.
Coding change: c.403_419del on transcript NM_002430.3 (MANE Select); coding-DNA positions 403 to 419, 17 bases deleted (GGCTACGGCGGCGCAGC).
Protein change: p.Gly135fs; shifts the reading frame from glycine 135.
Molecular consequence: frameshift variant.
Genome position (GRCh38, 1-based): chr22:27,800,125-27,800,141, GCTGCGCCGCCGTAGCC deleted on the plus strand (GGCTACGGCGGCGCAGC on the coding strand, the reverse complement: MN1 is on the minus strand); deleting any 17 consecutive bases within chr22:27,800,125-27,800,142 gives the same sequence; the c. name uses the placement nearest the transcript's 3' end. VCF-style (leftmost placement, unchanged base first): chr22-27800124-GGCTGCGCCGCCGTAGCC-G. GRCh37 (hg19) VCF-style: chr22-28196112-GGCTGCGCCGCCGTAGCC-G.
Other names: short protein forms G135fs.
Identifiers: ClinVar variation 4851919 (VCV004851919.1).
Genomic context (GRCh38, chr22:27,800,124, plus strand): 5'-CTGGCTCTCCGCCATGTGCTCATAGCCCTCGGCGAAGGGCGGCTGGCTGCCCAGGCCTCC[GGCTGCGCCGCCGTAGCC>G]GAGCAGGCGACCCCCGTGCAGGCACGAGGCCCCGGGGTCCGGGCCACCGAAGTTGCCCCC-3'